The following is an entry in ClinVar:

NM_016818.3(ABCG1):c.1173G>A (p.Thr391=)

Gene: ABCG1 (ATP binding cassette subfamily G member 1; plus strand). Cytogenetic location: 21q22.3.
Variant type: single nucleotide variant.
Coding change: c.1173G>A on transcript NM_016818.3 (MANE Select); coding-DNA position 1173, G replaced by A.
Protein change: p.Thr391=; no amino-acid change (threonine 391 retained).
Molecular consequence: synonymous variant.
Genome position (GRCh38, 1-based): chr21:42,288,261, G>A. VCF-style: chr21-42288261-G-A. GRCh37 (hg19) VCF-style: chr21-43708371-G-A.
Other names: c.1209G>A, p.Thr403= (NM_004915.4); c.1206G>A, p.Thr402= (NM_207174.1); c.1179G>A, p.Thr393= (NM_207627.2); c.1107G>A, p.Thr369= (NM_207628.1); c.1164G>A, p.Thr388= (NM_207629.2).
Identifiers: ClinVar variation 3049998 (VCV003049998.2), dbSNP rs146483452, ClinGen allele CA10041344.
Genomic context (GRCh38, chr21:42,288,261, plus strand): 5'-GTGTCCTCAGGACTCCTCGTCCATGGAAGGCTGCCACAGCTTCTCTGCCAGCTGCCTCAC[G>A]CAGTTCTGCATCCTCTTCAAGAGGACCTTCCTCAGCATCATGAGGGACTCGGTAAGGCTG-3'
Protein context (NP_058198.2, residues 381-401): GCHSFSASCL[Thr391=]QFCILFKRTF

ClinVar aggregate classification (germline): Likely benign (0 of 4 stars; one submission).

Conditions:
ABCG1-related disorder. Also called: ABCG1-related condition.

Allele frequency attached by ClinVar (database versions not stated): ESP Exome Variant Server 0.00015; gnomAD 0.00019; TOPMed 0.00020.
gnomAD v4.1: 204 of 1,614,068 alleles (0.013%); highest among the groups gnomAD compares: Non-Finnish European, 0.0031%; no homozygotes.

Submission:

PreventionGenetics, part of Exact Sciences
Classification: Likely benign for ABCG1-related condition. Last evaluated: 2019-07-10. Review status: no assertion criteria provided. Collection method: clinical testing. Allele origin: germline.
Comment: This variant is classified as likely benign based on ACMG/AMP sequence variant interpretation guidelines (Richards et al. 2015 PMID: 25741868, with internal and published modifications).